The following is an entry in ClinVar:

NM_004360.5(CDH1):c.2539T>A (p.Ser847Thr)

Gene: CDH1 (cadherin 1; plus strand). Cytogenetic location: 16q22.1.
Variant type: single nucleotide variant.
Coding change: c.2539T>A on transcript NM_004360.5 (MANE Select); coding-DNA position 2539, T replaced by A.
Protein change: p.Ser847Thr; replaces serine 847 with threonine.
Molecular consequence: missense variant.
Genome position (GRCh38, 1-based): chr16:68,833,389, T>A. VCF-style: chr16-68833389-T-A. GRCh37 (hg19) VCF-style: chr16-68867292-T-A.
Other names: c.2356T>A, p.Ser786Thr (NM_001317184.2); c.991T>A, p.Ser331Thr (NM_001317185.2); c.574T>A, p.Ser192Thr (NM_001317186.2); short protein forms S847T, S192T, S786T, S331T.
Identifiers: ClinVar variation 1792793 (VCV001792793.2), dbSNP rs1555518248, ClinGen allele CA396472357.
Genomic context (GRCh38, chr16:68,833,389, plus strand): 5'-TATGATTCTCTGCTCGTGTTTGACTATGAAGGAAGCGGTTCCGAAGCTGCTAGTCTGAGC[T>A]CCCTGAACTCCTCAGAGTCAGACAAAGACCAGGACTATGACTACTTGAACGAATGGGGCA-3'
Protein context (NP_004351.1, residues 837-857): GSGSEAASLS[Ser847Thr]LNSSESDKDQ

ClinVar aggregate classification (germline): Uncertain significance (1 of 4 stars; one submission).

Conditions:
Hereditary cancer-predisposing syndrome. Also called: Tumor predisposition; Hereditary Cancer Syndrome; Neoplastic Syndromes, Hereditary; Hereditary neoplastic syndrome. Identifiers: Orphanet 140162, MedGen C0027672, MeSH D009386, MONDO:0015356.

Submission:

Ambry Genetics
Classification: Uncertain significance for Hereditary cancer-predisposing syndrome. Last evaluated: 2022-06-05. Review status: criteria provided, single submitter. Criteria: Ambry Variant Classification Scheme 2023. Collection method: clinical testing. Allele origin: germline.
Comment: The p.S847T variant (also known as c.2539T>A), located in coding exon 16 of the CDH1 gene, results from a T to A substitution at nucleotide position 2539. The serine at codon 847 is replaced by threonine, an amino acid with similar properties. This amino acid position is conserved. In addition, the in silico prediction for this alteration is inconclusive. Since supporting evidence is limited at this time, the clinical significance of this alteration remains unclear.